The following is an entry in ClinVar:

ClinVar aggregate classification (germline): Likely benign. Review status: criteria provided, multiple submitters, no conflicts (2 of 4 stars). 2 submissions from 2 submitters: Likely benign (2). Last evaluated 2026-03-16.

Conditions:
Tuberous sclerosis 2 (TSC2). Identifiers: Orphanet 805, MedGen C1860707, MONDO:0013199, OMIM 613254.
TSC2-related disorder. Also called: TSC2-related condition; TSC2-Related Disorders.

Submissions (2):

PreventionGenetics, part of Exact Sciences
Classification: Likely benign for TSC2-related condition. Last evaluated: 2026-03-16. Review status: criteria provided, single submitter. Criteria: ACMG Guidelines, 2015. Collection method: clinical testing. Allele origin: germline.
Comment: This variant is classified as likely benign based on ACMG/AMP sequence variant interpretation guidelines (Richards et al. 2015 PMID: 25741868, with internal and published modifications).

Labcorp Genetics (formerly Invitae), Labcorp
Classification: Likely benign for Tuberous sclerosis 2. Last evaluated: 2025-08-04. Review status: criteria provided, single submitter. Criteria: Invitae Variant Classification Sherloc (09022015). Collection method: clinical testing. Allele origin: germline.

NM_000548.5(TSC2):c.2817T>C (p.Ser939=)

Gene: TSC2 (TSC complex subunit 2; plus strand). Cytogenetic location: 16p13.3.
Variant type: single nucleotide variant.
Coding change: c.2817T>C on transcript NM_000548.5 (MANE Select); coding-DNA position 2817, T replaced by C.
Protein change: p.Ser939=; no amino-acid change (serine 939 retained).
Molecular consequence: synonymous variant. On other transcripts: non-coding transcript variant (5).
Genome position (GRCh38, 1-based): chr16:2,076,565, T>C. VCF-style: chr16-2076565-T-C. GRCh37 (hg19) VCF-style: chr16-2126566-T-C.
Other names: c.2817T>C (NM_000548.4); c.2817T>C, p.Ser939= (NM_001077183.3, NM_001114382.3, NM_001363528.2 and 6 more transcripts); c.2706T>C, p.Ser902= (NM_001318827.2, NM_001406670.1, NM_001406678.1); c.2670T>C, p.Ser890= (NM_001318829.2, NM_001406675.1, NM_001406676.1 and 1 more transcripts); c.2217T>C, p.Ser739= (NM_001318831.2, NM_001406680.1, NM_001406682.1 and 6 more transcripts); c.2850T>C, p.Ser950= (NM_001318832.2); c.2907T>C, p.Ser969= (NM_001406667.1, NM_001406668.1); c.2805T>C, p.Ser935= (NM_001406671.1, NM_001406673.1); and 4 more.
Identifiers: ClinVar variation 4724839 (VCV004724839.2).